The following is an entry in ClinVar:

NM_001498.4(GCLC):c.1735G>A (p.Glu579Lys)

Genes: GCLC (glutamate-cysteine ligase catalytic subunit; minus strand), GCLC-AS1 (GCLC antisense RNA 1; plus strand). Cytogenetic location: 6p12.1.
Variant type: single nucleotide variant.
Coding change: c.1735G>A on transcript NM_001498.4 (MANE Select); coding-DNA position 1735, G replaced by A.
Protein change: p.Glu579Lys; replaces glutamic acid 579 with lysine.
Molecular consequence: missense variant.
Genome position (GRCh38, 1-based): chr6:53,498,935, C>T on the plus strand (G>A on the coding strand, the complement: GCLC is on the minus strand). VCF-style: chr6-53498935-C-T. GRCh37 (hg19) VCF-style: chr6-53363733-C-T.
Other names: c.1621G>A, p.Glu541Lys (NM_001197115.2); short protein forms E541K, E579K.
Identifiers: ClinVar variation 2057703 (VCV002057703.3), dbSNP rs921303295, ClinGen allele CA139032931.

ClinVar aggregate classification (germline): Uncertain significance (1 of 4 stars; one submission).

Allele frequency attached by ClinVar (database versions not stated): gnomAD 0.00001; gnomAD exomes 0.00001; TOPMed 0.00002.
gnomAD v4.1: 17 of 1,613,188 alleles (0.0011%); highest among the groups gnomAD compares: Admixed American, 0.0017%; no homozygotes.

Submission:

Labcorp Genetics (formerly Invitae), Labcorp
Classification: Uncertain significance. Last evaluated: 2024-10-30. Review status: criteria provided, single submitter. Criteria: Invitae Variant Classification Sherloc (09022015). Collection method: clinical testing. Allele origin: germline.
Comment: This sequence change replaces glutamic acid, which is acidic and polar, with lysine, which is basic and polar, at codon 579 of the GCLC protein (p.Glu579Lys). This variant is present in population databases (no rsID available, gnomAD 0.007%). This variant has not been reported in the literature in individuals affected with GCLC-related conditions. ClinVar contains an entry for this variant (Variation ID: 2057703). An algorithm developed to predict the effect of missense changes on protein structure and function (PolyPhen-2) suggests that this variant¬†is likely to be tolerated. In summary, the available evidence is currently insufficient to determine the role of this variant in disease. Therefore, it has been classified as a Variant of Uncertain Significance.